The following is an entry in ClinVar:

NM_000489.6(ATRX):c.3343T>G (p.Tyr1115Asp)

Gene: ATRX (ATRX chromatin remodeler; minus strand). Cytogenetic location: Xq21.1.
Variant type: single nucleotide variant.
Coding change: c.3343T>G on transcript NM_000489.6 (MANE Select); coding-DNA position 3343, T replaced by G.
Protein change: p.Tyr1115Asp; replaces tyrosine 1115 with aspartic acid.
Molecular consequence: missense variant.
Genome position (GRCh38, 1-based): chrX:77,681,913, A>C on the plus strand (T>G on the coding strand, the complement: ATRX is on the minus strand). VCF-style: chrX-77681913-A-C. GRCh37 (hg19) VCF-style: chrX-76937405-A-C.
Other names: c.3229T>G, p.Tyr1077Asp (NM_138270.5); short protein forms Y1077D, Y1115D.
Identifiers: ClinVar variation 3893323 (VCV003893323.1).

ClinVar aggregate classification (germline): Uncertain significance (1 of 4 stars; one submission).

Submission:

GeneDx
Classification: Uncertain significance. Last evaluated: 2024-10-22. Review status: criteria provided, single submitter. Criteria: GeneDx Variant Classification Process June 2021. Collection method: clinical testing. Allele origin: germline. Affected: yes.
Comment: Not observed at significant frequency in large population cohorts (gnomAD); In silico analysis indicates that this missense variant does not alter protein structure/function; Has not been previously published as pathogenic or benign to our knowledge